The following is an entry in ClinVar:

ClinVar aggregate classification (germline): Uncertain significance. Review status: criteria provided, multiple submitters, no conflicts (2 of 4 stars). 2 submissions from 2 submitters: Uncertain significance (2). Last evaluated 2025-10-24.

Conditions:
Inborn genetic diseases. Identifiers: MedGen C0950123, MeSH D030342.

Submissions (2):

Ambry Genetics
Classification: Uncertain significance for Inborn genetic diseases. Last evaluated: 2025-10-24. Review status: criteria provided, single submitter. Criteria: Ambry Variant Classification Scheme 2023. Collection method: clinical testing. Allele origin: germline.

Labcorp Genetics (formerly Invitae), Labcorp
Classification: Uncertain significance. Last evaluated: 2025-07-16. Review status: criteria provided, single submitter. Criteria: Invitae Variant Classification Sherloc (09022015). Collection method: clinical testing. Allele origin: germline.
Comment: This sequence change replaces alanine, which is neutral and non-polar, with valine, which is neutral and non-polar, at codon 500 of the LRP5 protein (p.Ala500Val). This variant is not present in population databases (gnomAD no frequency). This variant has not been reported in the literature in individuals affected with LRP5-related conditions. ClinVar contains an entry for this variant (Variation ID: 1901879). Invitae Evidence Modeling of protein sequence and biophysical properties (such as structural, functional, and spatial information, amino acid conservation, physicochemical variation, residue mobility, and thermodynamic stability) indicates that this missense variant is not expected to disrupt LRP5 protein function with a negative predictive value of 95%. In summary, the available evidence is currently insufficient to determine the role of this variant in disease. Therefore, it has been classified as a Variant of Uncertain Significance.

NM_002335.4(LRP5):c.1499C>T (p.Ala500Val)

Gene: LRP5 (LDL receptor related protein 5; plus strand). Cytogenetic location: 11q13.2.
Variant type: single nucleotide variant.
Coding change: c.1499C>T on transcript NM_002335.4 (MANE Select); coding-DNA position 1499, C replaced by T.
Protein change: p.Ala500Val; replaces alanine 500 with valine.
Molecular consequence: missense variant. On other transcripts: intron variant (1).
Genome position (GRCh38, 1-based): chr11:68,389,967, C>T. VCF-style: chr11-68389967-C-T. GRCh37 (hg19) VCF-style: chr11-68157435-C-T.
Other names: c.-354+3255C>T (NM_001291902.2); c.1499C>T (NM_002335.2); short protein forms A500V.
Identifiers: ClinVar variation 1901879 (VCV001901879.6), dbSNP rs2496622372, ClinGen allele CA381613095.